The following is an entry in ClinVar:

NM_130810.4(DNAAF4):c.1249G>T (p.Glu417Ter)

Genes: DNAAF4 (dynein axonemal assembly factor 4; minus strand), DNAAF4-CCPG1 (DNAAF4-CCPG1 readthrough (NMD candidate); minus strand). Cytogenetic location: 15q21.3.
Variant type: single nucleotide variant.
Coding change: c.1249G>T on transcript NM_130810.4 (MANE Select); coding-DNA position 1249, G replaced by T.
Protein change: p.Glu417Ter; replaces glutamic acid 417 with a stop codon.
Molecular consequence: nonsense. On other transcripts: 3 prime UTR variant (1), intron variant (1).
Genome position (GRCh38, 1-based): chr15:55,430,684, C>A on the plus strand (G>T on the coding strand, the complement: DNAAF4 is on the minus strand). VCF-style: chr15-55430684-C-A. GRCh37 (hg19) VCF-style: chr15-55722882-C-A.
Other names: p.Glu417*; c.*12G>T (NM_001033559.3); c.1047+4221G>T (NM_001033560.2); short protein forms E417*.
Identifiers: ClinVar variation 2136 (VCV000002136.21), dbSNP rs57809907, ClinGen allele CA115364.

ClinVar aggregate classification (germline): Benign/Likely benign. Review status: criteria provided, multiple submitters, no conflicts (2 of 4 stars). 9 submissions from 9 submitters: Benign (7); Likely benign (1). 1 of the submissions does not count toward it. Last evaluated 2026-02-04.

Conditions:
Primary ciliary dyskinesia 25 (CILD25). Also called: CILIARY DYSKINESIA, PRIMARY, 25, WITH OR WITHOUT SITUS INVERSUS. Identifiers: Orphanet 244, MedGen C3809641, MONDO:0014203, OMIM 615482.
Dyslexia, susceptibility to, 1. Also called: READING DISABILITY, SPECIFIC, 1; WORD-BLINDNESS, CONGENITAL. Identifiers: MedGen C1851967, MONDO:0007487, OMIM 127700.

Allele frequency attached by ClinVar (database versions not stated): gnomAD exomes 0.09585 and 0.10391; ExAC 0.11236; 1000 Genomes Project 0.17552; gnomAD 0.17934 and 0.18601; 1000 Genomes Project 30x 0.18192; TOPMed 0.18783.
gnomAD v4.1: 167,820 of 1,611,952 alleles (10%); highest among the groups gnomAD compares: African/African-American, 43%; 13,397 homozygotes.

Submissions (9):

Labcorp Genetics (formerly Invitae), Labcorp
Classification: Benign. Last evaluated: 2026-02-04. Review status: criteria provided, single submitter. Criteria: Invitae Variant Classification Sherloc (09022015). Collection method: clinical testing. Allele origin: germline.

Blueprint Genetics
Classification: Likely benign. Last evaluated: 2024-11-27. Review status: criteria provided, single submitter. Criteria: ACMG Guidelines, 2015. Collection method: clinical testing. Allele origin: germline.

Mayo Clinic Laboratories, Mayo Clinic
Classification: Benign. Last evaluated: 2023-01-05. Review status: criteria provided, single submitter. Criteria: ACMG Guidelines, 2015. Collection method: clinical testing. Allele origin: germline. Observed: 51 variant alleles.
Comment: BA1

Genome-Nilou Lab
Classification: Benign for Primary ciliary dyskinesia 25. Last evaluated: 2021-07-30. Review status: criteria provided, single submitter. Criteria: ACMG Guidelines, 2015. Collection method: clinical testing. Allele origin: germline. Affected: no.

GeneDx
Classification: Benign. Last evaluated: 2018-12-17. Review status: criteria provided, single submitter. Criteria: GeneDx Variant Classification Process June 2021. Collection method: clinical testing. Allele origin: germline. Affected: yes.
Comment: This variant is associated with the following publications: (PMID: 23341075, 12954984, 31213628)

Laboratory for Molecular Medicine, Mass General Brigham Personalized Medicine
Classification: Benign. Last evaluated: 2016-03-29. Review status: criteria provided, single submitter. Criteria: LMM Criteria. Collection method: clinical testing. Allele origin: germline.
Comment: Variant identified in a genome or exome case(s) and assessed due to predicted null impact of the variant or pathogenic assertions in the literature or databases. Disclaimer: This variant has not undergone full assessment. The following are preliminary notes: Frequency, variant associated with dyslexia

Breakthrough Genomics
Classification: Benign. Review status: criteria provided, single submitter. Criteria: ACMG Guidelines, 2015. Collection method: not provided. Allele origin: germline. Inheritance: Autosomal recessive inheritance. Affected: yes.

PreventionGenetics, part of Exact Sciences
Classification: Benign. Review status: criteria provided, single submitter. Criteria: ACMG Guidelines, 2015. Collection method: clinical testing. Allele origin: germline.

OMIM
Classification: risk factor for DYSLEXIA, SUSCEPTIBILITY TO, 1. Last evaluated: 2003-09-30. Review status: no assertion criteria provided. Collection method: literature only. Allele origin: germline. Not counted in ClinVar's aggregate classification.

Literature cited by the submitters: PubMed 31213628 (cited by Mayo Clinic Laboratories, Mayo Clinic); PubMed 12954984 (cited by OMIM).